The following is an entry in ClinVar:

NM_000368.5(TSC1):c.2392-6_2398del

Gene: TSC1 (TSC complex subunit 1; minus strand). Cytogenetic location: 9q34.13.
Variant type: Deletion.
Coding change: c.2392-6_2398del on transcript NM_000368.5 (MANE Select); 6 bases into the intron before coding-DNA position 2392 through coding-DNA position 2398, 13 bases deleted (GGGCAGACGAAGC).
Molecular consequence: splice acceptor variant.
Genome position (GRCh38, 1-based): chr9:132,901,693-132,901,705, GCTTCGTCTGCCC deleted on the plus strand (GGGCAGACGAAGC on the coding strand, the reverse complement: TSC1 is on the minus strand). VCF-style (leftmost placement, unchanged base first): chr9-132901692-AGCTTCGTCTGCCC-A. GRCh37 (hg19) VCF-style: chr9-135777079-AGCTTCGTCTGCCC-A.
Other names: c.2026-6_2032del (NM_001406622.1, NM_001406623.1, NM_001406620.1 and 2 more transcripts); c.2029-6_2035del (NM_001362177.2, NM_001406614.1, NM_001406624.1 and 5 more transcripts); c.2236-6_2242del (NM_001406611.1, NM_001406613.1, NM_001406612.1); c.2239-6_2245del (NM_001162427.2, NM_001406610.1); c.1438-6_1444del (NM_001406628.1, NM_001406627.1); c.1441-6_1447del (NM_001406626.1); c.2374-6_2380del (NM_001406604.1, NM_001406603.1); c.2389-6_2395del (NM_001406608.1, NM_001162426.2, NM_001406599.1 and 4 more transcripts); and 3 more.
Identifiers: ClinVar variation 2827964 (VCV002827964.3), dbSNP rs2538580044, ClinGen allele CA2739264810.

ClinVar aggregate classification (germline): Likely pathogenic (1 of 4 stars; one submission).

Conditions:
Tuberous sclerosis 1 (TSC1). Identifiers: Orphanet 805, MedGen C1854465, MONDO:0008612, OMIM 191100.

Submission:

Labcorp Genetics (formerly Invitae), Labcorp
Classification: Likely pathogenic for Tuberous sclerosis 1. Last evaluated: 2023-01-12. Review status: criteria provided, single submitter. Criteria: Invitae Variant Classification Sherloc (09022015). Collection method: clinical testing. Allele origin: germline.
Comment: Algorithms developed to predict the effect of sequence changes on RNA splicing suggest that this variant may disrupt the consensus splice site. In summary, the currently available evidence indicates that the variant is pathogenic, but additional data are needed to prove that conclusively. Therefore, this variant has been classified as Likely Pathogenic. This variant has not been reported in the literature in individuals affected with TSC1-related conditions. This variant results in the deletion of part of exon 19 (c.2392-6_2398del) of the TSC1 gene. It is expected to disrupt RNA splicing. Variants that disrupt the donor or acceptor splice site typically lead to a loss of protein function (PMID: 16199547), and loss-of-function variants in TSC1 are known to be pathogenic (PMID: 10227394, 17304050). This variant is not present in population databases (gnomAD no frequency).

Literature cited by the submitters: PubMed 16199547; PubMed 10227394; PubMed 17304050.